The following is an entry in ClinVar:

NM_001379500.1(COL18A1):c.1645C>T (p.Pro549Ser)

Gene: COL18A1 (collagen type XVIII alpha 1 chain; plus strand). Cytogenetic location: 21q22.3.
Variant type: single nucleotide variant.
Coding change: c.1645C>T on transcript NM_001379500.1 (MANE Select); coding-DNA position 1645, C replaced by T.
Protein change: p.Pro549Ser; replaces proline 549 with serine.
Molecular consequence: missense variant.
Genome position (GRCh38, 1-based): chr21:45,481,996, C>T. VCF-style: chr21-45481996-C-T. GRCh37 (hg19) VCF-style: chr21-46901910-C-T.
Other names: c.2185C>T, p.Pro729Ser (NM_030582.4); c.2890C>T, p.Pro964Ser (NM_130444.3); short protein forms P729S, P549S, P964S.
Identifiers: ClinVar variation 1382646 (VCV001382646.3), dbSNP rs1342361545, ClinGen allele CA410518684.

ClinVar aggregate classification (germline): Uncertain significance (1 of 4 stars; one submission).

Allele frequency attached by ClinVar (database versions not stated): gnomAD exomes 0.00001.
gnomAD v4.1: 11 of 1,613,776 alleles (0.00068%); highest among the groups gnomAD compares: Non-Finnish European, 0.00093%; no homozygotes.

Submission:

Labcorp Genetics (formerly Invitae), Labcorp
Classification: Uncertain significance. Last evaluated: 2021-04-02. Review status: criteria provided, single submitter. Criteria: Invitae Variant Classification Sherloc (09022015). Collection method: clinical testing. Allele origin: germline.
Comment: This sequence change replaces proline with serine at codon 549 of the COL18A1 protein (p.Pro549Ser). The proline residue is moderately conserved and there is a moderate physicochemical difference between proline and serine. This variant is not present in population databases (ExAC no frequency). This variant has not been reported in the literature in individuals with COL18A1-related conditions. Experimental studies and prediction algorithms are not available or were not evaluated, and the functional significance of this variant is currently unknown. In summary, the available evidence is currently insufficient to determine the role of this variant in disease. Therefore, it has been classified as a Variant of Uncertain Significance.